The following is an entry in ClinVar:

NM_005996.4(TBX3):c.2144C>G (p.Pro715Arg)

Gene: TBX3 (T-box transcription factor 3; minus strand). Cytogenetic location: 12q24.21.
Variant type: single nucleotide variant.
Coding change: c.2144C>G on transcript NM_005996.4 (MANE Select); coding-DNA position 2144, C replaced by G.
Protein change: p.Pro715Arg; replaces proline 715 with arginine.
Molecular consequence: missense variant.
Genome position (GRCh38, 1-based): chr12:114,671,869, G>C on the plus strand (C>G on the coding strand, the complement: TBX3 is on the minus strand). VCF-style: chr12-114671869-G-C. GRCh37 (hg19) VCF-style: chr12-115109674-G-C.
Other names: c.2204C>G, p.Pro735Arg (NM_016569.4); short protein forms P715R, P735R.
Identifiers: ClinVar variation 3350101 (VCV003350101.1).
Genomic context (GRCh38, chr12:114,671,869, plus strand): 5'-GACTGGAATGAAAAGACGTGTCTGGGACGGGTCTACGGGGACGCGCTGCGGGACCTGTCC[G>C]GCTTGGCTTCCAAGCCGCTAACCAACCGCTGGATGCTCTGCAGTTCGCTGGTGGCCGCCT-3'
Protein context (NP_005987.3, residues 705-723): QRLVSGLEAK[Pro715Arg]DRSRSASP

ClinVar aggregate classification (germline): Uncertain significance (0 of 4 stars; one submission).

Conditions:
TBX3-related disorder. Also called: TBX3-related condition.

Submission:

PreventionGenetics, part of Exact Sciences
Classification: Uncertain significance for TBX3-related condition. Last evaluated: 2024-03-06. Review status: no assertion criteria provided. Collection method: clinical testing. Allele origin: germline.
Comment: The TBX3 c.2204C>G variant is predicted to result in the amino acid substitution p.Pro735Arg. To our knowledge, this variant has not been reported in the literature. This variant is reported in 0.0065% of alleles in individuals of European (Non-Finnish) descent in gnomAD. At this time, the clinical significance of this variant is uncertain due to the absence of conclusive functional and genetic evidence.